The following is an entry in ClinVar:

ClinVar aggregate classification (germline): Benign. Review status: criteria provided, multiple submitters, no conflicts (2 of 4 stars). 3 submissions from 2 submitters: Benign (3). Last evaluated 2018-01-13.

Conditions:
Deficiency of steroid 11-beta-monooxygenase (CYP11B1). Also called: ADRENAL HYPERPLASIA, CONGENITAL, DUE TO STEROID 11-BETA-HYDROXYLASE DEFICIENCY; 11-BETA-HYDROXYLASE DEFICIENCY; ADRENAL HYPERPLASIA IV; P450C11B1 DEFICIENCY; STEROID 11-BETA-HYDROXYLASE DEFICIENCY; Congenital adrenal hyperplasia due to 11-beta-hydroxylase deficiency. Identifiers: Orphanet 90795, MedGen C0268292, MONDO:0008729, OMIM 202010. Disease mechanism: loss of function.
Glucocorticoid-remediable aldosteronism. Also called: Hyperaldosteronism, familial, type I; ACTH-DEPENDENT HYPERALDOSTERONISM SYNDROME; ALDOSTERONISM, SENSITIVE TO DEXAMETHASONE; FH I; GLUCOCORTICOID-SUPPRESSIBLE HYPERALDOSTERONISM. Identifiers: Orphanet 403, MedGen C3838731, MONDO:0007080, OMIM 103900.

Allele frequency attached by ClinVar (database versions not stated): 1000 Genomes Project 0.10543; 1000 Genomes Project 30x 0.11321; gnomAD 0.11543 and 0.11851; TOPMed 0.11705; gnomAD exomes 0.13636.

Submissions (3):

Illumina Laboratory Services, Illumina
Classification: Benign for Deficiency of steroid 11-beta-monooxygenase. Last evaluated: 2018-01-13. Review status: criteria provided, single submitter. Criteria: ICSL Variant Classification Criteria 13 December 2019. Collection method: clinical testing. Allele origin: germline.
Comment: This variant was observed in the ICSL laboratory as part of a predisposition screen in an ostensibly healthy population. It had not been previously curated by ICSL or reported in the Human Gene Mutation Database (HGMD: prior to June 1st, 2018), and was therefore a candidate for classification through an automated scoring system. Utilizing variant allele frequency, disease prevalence and penetrance estimates, and inheritance mode, an automated score was calculated to assess if this variant is too frequent to cause the disease. Based on the score and internal cut-off values, a variant classified as benign is not then subjected to further curation. The score for this variant resulted in a classification of benign for this disease.

Illumina Laboratory Services, Illumina
Classification: Benign for Glucocorticoid-remediable aldosteronism. Last evaluated: 2018-01-13. Review status: criteria provided, single submitter. Criteria: ICSL Variant Classification Criteria 13 December 2019. Collection method: clinical testing. Allele origin: germline.
Comment: the same text as in the submission from Illumina Laboratory Services, Illumina above.

Breakthrough Genomics
Classification: Benign. Review status: criteria provided, single submitter. Criteria: ACMG Guidelines, 2015. Collection method: not provided. Allele origin: germline. Inheritance: Autosomal recessive inheritance. Affected: yes.

NM_000497.4(CYP11B1):c.*1417G>A

Gene: CYP11B1 (cytochrome P450 family 11 subfamily B member 1; minus strand). Cytogenetic location: 8q24.3.
Variant type: single nucleotide variant.
Coding change: c.*1417G>A on transcript NM_000497.4 (MANE Select); 1417 bases downstream of the stop codon, G replaced by A.
Molecular consequence: 3 prime UTR variant.
Genome position (GRCh38, 1-based): chr8:142,872,956, C>T on the plus strand (G>A on the coding strand, the complement: CYP11B1 is on the minus strand). VCF-style: chr8-142872956-C-T. GRCh37 (hg19) VCF-style: chr8-143954372-C-T.
Other names: c.*1417G>A (NM_001026213.1).
Identifiers: ClinVar variation 362113 (VCV000362113.6), dbSNP rs61752812, ClinGen allele CA10627270.